The following is an entry in ClinVar:

NM_001290268.2(RIPOR3):c.965A>G (p.Asp322Gly)

Gene: RIPOR3 (RIPOR family member 3; minus strand). Cytogenetic location: 20q13.13.
Variant type: single nucleotide variant.
Coding change: c.965A>G on transcript NM_001290268.2 (MANE Select); coding-DNA position 965, A replaced by G.
Protein change: p.Asp322Gly; replaces aspartic acid 322 with glycine.
Molecular consequence: missense variant. On other transcripts: non-coding transcript variant (1).
Genome position (GRCh38, 1-based): chr20:50,604,766, T>C on the plus strand (A>G on the coding strand, the complement: RIPOR3 is on the minus strand). VCF-style: chr20-50604766-T-C. GRCh37 (hg19) VCF-style: chr20-49221303-T-C.
Other names: c.953A>G, p.Asp318Gly (NM_080829.4); short protein forms D318G, D322G.
Identifiers: ClinVar variation 2652396 (VCV002652396.24), dbSNP rs116905185, ClinGen allele CA9907488.

ClinVar aggregate classification (germline): Likely benign (1 of 4 stars; one submission).

Allele frequency attached by ClinVar (database versions not stated): 1000 Genomes Project 0.00200; 1000 Genomes Project 30x 0.00250; ExAC 0.00420; gnomAD 0.00464; TOPMed 0.00464; ESP Exome Variant Server 0.00561.
gnomAD v4.1: 11,895 of 1,607,858 alleles (0.74%); highest among the groups gnomAD compares: Non-Finnish European, 0.91%; 55 homozygotes.

Submission:

CeGaT Center for Human Genetics Tuebingen
Classification: Likely benign. Last evaluated: 2022-10-01. Review status: criteria provided, single submitter. Criteria: CeGaT Center For Human Genetics Tuebingen Variant Classification Criteria Version 2. Collection method: clinical testing. Allele origin: germline. Affected: yes. Observed: 1 variant allele.
Comment: RIPOR3: BP4, BS2